The following is an entry in ClinVar:

ClinVar aggregate classification (germline): Uncertain significance (1 of 4 stars; one submission).

gnomAD v4.1: 6 of 1,613,062 alleles (0.00037%); highest among the groups gnomAD compares: Non-Finnish European, 0.00042%; no homozygotes.

Submission:

GeneDx
Classification: Uncertain significance. Last evaluated: 2025-10-08. Review status: criteria provided, single submitter. Criteria: GeneDx Variant Classification Process June 2021. Collection method: clinical testing. Allele origin: germline. Affected: yes.
Comment: Not observed in large population cohorts (gnomAD); In silico analysis, which includes protein predictors and evolutionary conservation, supports a deleterious effect; Has not been previously published as pathogenic or benign to our knowledge

NM_001287.6(CLCN7):c.599T>G (p.Val200Gly)

Gene: CLCN7 (chloride voltage-gated channel 7; minus strand). Cytogenetic location: 16p13.3.
Variant type: single nucleotide variant.
Coding change: c.599T>G on transcript NM_001287.6 (MANE Select); coding-DNA position 599, T replaced by G.
Protein change: p.Val200Gly; replaces valine 200 with glycine.
Molecular consequence: missense variant.
Genome position (GRCh38, 1-based): chr16:1,459,183, A>C on the plus strand (T>G on the coding strand, the complement: CLCN7 is on the minus strand). VCF-style: chr16-1459183-A-C. GRCh37 (hg19) VCF-style: chr16-1509184-A-C.
Other names: c.527T>G, p.Val176Gly (NM_001114331.3); short protein forms V176G, V200G.
Identifiers: ClinVar variation 1312457 (VCV001312457.3), dbSNP rs2142385431, ClinGen allele CA394192017.